The following is an entry in ClinVar:

NM_000455.5(STK11):c.486C>T (p.Asp162=)

Gene: STK11 (serine/threonine kinase 11; plus strand). Cytogenetic location: 19p13.3.
Variant type: single nucleotide variant.
Coding change: c.486C>T on transcript NM_000455.5 (MANE Select); coding-DNA position 486, C replaced by T.
Protein change: p.Asp162=; no amino-acid change (aspartic acid 162 retained).
Molecular consequence: synonymous variant.
Genome position (GRCh38, 1-based): chr19:1,220,394, C>T. VCF-style: chr19-1220394-C-T. GRCh37 (hg19) VCF-style: chr19-1220393-C-T.
Identifiers: ClinVar variation 458048 (VCV000458048.20), dbSNP rs1269329328, ClinGen allele CA089407.

ClinVar aggregate classification (germline): Benign/Likely benign. Review status: criteria provided, multiple submitters, no conflicts (2 of 4 stars). 5 submissions from 5 submitters: Benign (1); Likely benign (4). Last evaluated 2026-01-19.

Conditions:
Hereditary cancer-predisposing syndrome. Also called: Hereditary Cancer Syndrome; Hereditary neoplastic syndrome; Tumor predisposition; Neoplastic Syndromes, Hereditary. Identifiers: Orphanet 140162, MedGen C0027672, MeSH D009386, MONDO:0015356.
Melanoma, cutaneous malignant, susceptibility to, 1 (CMM1). Also called: B-K MOLE SYNDROME; MELANOMA, MALIGNANT; DYSPLASTIC NEVUS SYNDROME, HEREDITARY; FAMILIAL ATYPICAL MOLE-MALIGNANT MELANOMA SYNDROME. Identifiers: Orphanet 618, MedGen C1835047, MONDO:0007963, OMIM 155600.
Carcinoma of pancreas. Also called: PANCREATIC ACINAR CARCINOMA; PANCREATIC CARCINOMA; Exocrine pancreatic carcinoma; Pancreatic cancer, somatic; Pancreatic carcinoma, somatic. Identifiers: Orphanet 1333, Orphanet 217074, MedGen C0235974, MONDO:0005192. Disease mechanism: loss of function.
Peutz-Jeghers syndrome (PJS). Also called: POLYPOSIS, HAMARTOMATOUS INTESTINAL; POLYPS-AND-SPOTS SYNDROME; Peutz-Jeghers polyposis; Periorificial lentiginosis syndrome. Identifiers: Orphanet 2869, MedGen C0031269, MeSH D010580, MONDO:0008280, OMIM 175200.
Germ cell tumor of testis (TGCT). Also called: GERM CELL TUMOR, SOMATIC; Testicular germ cell tumor. Identifiers: Orphanet 363504, MedGen C1336708, MONDO:0010108, OMIM 273300.

Allele frequency attached by ClinVar (database versions not stated): TOPMed below 0.00001.
gnomAD v4.1: 10 of 1,603,326 alleles (0.00062%); highest among the groups gnomAD compares: East Asian, 0.011%; no homozygotes.

Submissions (5):

Labcorp Genetics (formerly Invitae), Labcorp
Classification: Likely benign for Peutz-Jeghers syndrome. Last evaluated: 2026-01-19. Review status: criteria provided, single submitter. Criteria: Invitae Variant Classification Sherloc (09022015). Collection method: clinical testing. Allele origin: germline.

Myriad Genetics, Inc.
Classification: Benign for Peutz-Jeghers syndrome. Last evaluated: 2025-03-26. Review status: criteria provided, single submitter. Criteria: Myriad Autosomal Dominant, Autosomal Recessive and X-Linked Classification Criteria (2023). Collection method: clinical testing. Allele origin: unknown.
Comment: This variant is considered benign. This variant is a silent/synonymous amino acid change and it is not expected to impact splicing.

Fulgent Genetics
Classification: Likely benign for Melanoma, cutaneous malignant, susceptibility to, 1; Peutz-Jeghers syndrome; Familial pancreatic carcinoma; Germ cell tumor of testis. Last evaluated: 2021-11-29. Review status: criteria provided, single submitter. Criteria: ACMG Guidelines, 2015. Collection method: clinical testing. Allele origin: unknown.

Ambry Genetics
Classification: Likely benign for Hereditary cancer-predisposing syndrome. Last evaluated: 2018-07-16. Review status: criteria provided, single submitter. Criteria: Ambry Variant Classification Scheme 2023. Collection method: clinical testing. Allele origin: germline.

Color Diagnostics, LLC DBA Color Health
Classification: Likely benign for Hereditary cancer-predisposing syndrome. Last evaluated: 2018-06-19. Review status: criteria provided, single submitter. Criteria: ACMG Guidelines, 2015. Collection method: clinical testing. Allele origin: germline.